The following is an entry in ClinVar:

NM_003716.4(CADPS):c.615C>T (p.Asn205=)

Gene: CADPS (calcium dependent secretion activator; minus strand). Cytogenetic location: 3p14.2.
Variant type: single nucleotide variant.
Coding change: c.615C>T on transcript NM_003716.4 (MANE Select); coding-DNA position 615, C replaced by T.
Protein change: p.Asn205=; no amino-acid change (asparagine 205 retained).
Molecular consequence: synonymous variant.
Genome position (GRCh38, 1-based): chr3:62,753,714, G>A on the plus strand (C>T on the coding strand, the complement: CADPS is on the minus strand). VCF-style: chr3-62753714-G-A. GRCh37 (hg19) VCF-style: chr3-62739389-G-A.
Other names: c.615C>T, p.Asn205= (NM_183393.3, NM_183394.3).
Identifiers: ClinVar variation 3045959 (VCV003045959.2), dbSNP rs149627119, ClinGen allele CA2477240.
Genomic context (GRCh38, chr3:62,753,714, plus strand): 5'-AATCTCAGGCAGGCTGCGCACTCTCTTCTCAATGTGCTTCTTGAAGACCTCCCGGGAGTC[G>A]TTGGCGGAACAGCCTCCACTCTGAACCATGCGGGCCACACGGTCGCTCTTCAGGAACACC-3'
Protein context (NP_003707.2, residues 195-215): RMVQSGGCSA[Asn205=]DSREVFKKHI

ClinVar aggregate classification (germline): Likely benign (0 of 4 stars; one submission).

Conditions:
CADPS-related disorder. Also called: CADPS-related condition.

Allele frequency attached by ClinVar (database versions not stated): ExAC 0.00003; ESP Exome Variant Server 0.00015.
gnomAD v4.1: 67 of 1,614,000 alleles (0.0042%); highest among the groups gnomAD compares: African/African-American, 0.037%; no homozygotes.

Submission:

PreventionGenetics, part of Exact Sciences
Classification: Likely benign for CADPS-related condition. Last evaluated: 2019-11-07. Review status: no assertion criteria provided. Collection method: clinical testing. Allele origin: germline.
Comment: This variant is classified as likely benign based on ACMG/AMP sequence variant interpretation guidelines (Richards et al. 2015 PMID: 25741868, with internal and published modifications).